The following is an entry in ClinVar:

NM_001378778.1(MPDZ):c.719C>T (p.Ala240Val)

Gene: MPDZ (multiple PDZ domain crumbs cell polarity complex component; minus strand). Cytogenetic location: 9p23.
Variant type: single nucleotide variant.
Coding change: c.719C>T on transcript NM_001378778.1 (MANE Select); coding-DNA position 719, C replaced by T.
Protein change: p.Ala240Val; replaces alanine 240 with valine.
Molecular consequence: missense variant.
Genome position (GRCh38, 1-based): chr9:13,222,261, G>A on the plus strand (C>T on the coding strand, the complement: MPDZ is on the minus strand). VCF-style: chr9-13222261-G-A. GRCh37 (hg19) VCF-style: chr9-13222260-G-A.
Other names: c.719C>T, p.Ala240Val (NM_001261406.2, NM_001261407.2, NM_001330637.2 and 14 more transcripts); short protein forms A240V.
Identifiers: ClinVar variation 1487274 (VCV001487274.6), dbSNP rs374693152, ClinGen allele CA4988038.

ClinVar aggregate classification (germline): Uncertain significance (1 of 4 stars; one submission).

Allele frequency attached by ClinVar (database versions not stated): gnomAD exomes 0.00001 and 0.00002; TOPMed 0.00002; gnomAD 0.00003; ExAC 0.00006; ESP Exome Variant Server 0.00008.

Submission:

Labcorp Genetics (formerly Invitae), Labcorp
Classification: Uncertain significance. Last evaluated: 2024-07-30. Review status: criteria provided, single submitter. Criteria: Invitae Variant Classification Sherloc (09022015). Collection method: clinical testing. Allele origin: germline.
Comment: This sequence change replaces alanine, which is neutral and non-polar, with valine, which is neutral and non-polar, at codon 240 of the MPDZ protein (p.Ala240Val). This variant is present in population databases (rs374693152, gnomAD 0.006%). This variant has not been reported in the literature in individuals affected with MPDZ-related conditions. ClinVar contains an entry for this variant (Variation ID: 1487274). An algorithm developed to predict the effect of missense changes on protein structure and function (PolyPhen-2) suggests that this variant is likely to be disruptive. In summary, the available evidence is currently insufficient to determine the role of this variant in disease. Therefore, it has been classified as a Variant of Uncertain Significance.